The following is an entry in ClinVar:

ClinVar aggregate classification (germline): Likely pathogenic (1 of 4 stars; one submission).

Conditions:
Central core myopathy (CMYO1A). Also called: CONGENITAL MYOPATHY 1A, AUTOSOMAL DOMINANT, WITH SUSCEPTIBILITY TO MALIGNANT HYPERTHERMIA; Central core disease; Myopathy, central fibrillar. Identifiers: Orphanet 597, MedGen C5830701, MONDO:0007294, OMIM 117000.

Submission:

Clinical Genomics Laboratory, Washington University in St. Louis
Classification: Likely pathogenic for Central core myopathy. Last evaluated: 2025-12-26. Review status: criteria provided, single submitter. Criteria: ACMG Guidelines, 2015. Collection method: clinical testing. Allele origin: germline. Affected: yes.
Comment: The RYR1 c.14758A>C (p.Thr4920Pro) variant, to our knowledge, has not been reported in the medical literature and is absent from the general population (gnomAD v4.1.0), indicating it is not a common variant. This variant resides within the pore forming domain of RYR1 that is defined as a critical functional domain (Todd JJ et al., PMID: 30155738) and computational predictors indicate that the variant is damaging, evidence that correlates with impact to RYR1 function. Additionally, other variants in this codon and surrounding regions have been detected in affected individuals and are considered pathogenic (Jeong HN et al., PMID: 29629541; Park HJ et al., PMID: 27363342; Todd JJ et al., PMID: 30155738). Based on available information and the ACMG/AMP guidelines for variant interpretation (Richards S et al., PMID: 25741868), this variant is classified as likely pathogenic.

NM_000540.3(RYR1):c.14758A>C (p.Thr4920Pro)

Gene: RYR1 (ryanodine receptor 1; plus strand). Cytogenetic location: 19q13.2.
Variant type: single nucleotide variant.
Coding change: c.14758A>C on transcript NM_000540.3 (MANE Select); coding-DNA position 14758, A replaced by C.
Protein change: p.Thr4920Pro; replaces threonine 4920 with proline.
Molecular consequence: missense variant.
Genome position (GRCh38, 1-based): chr19:38,585,054, A>C. VCF-style: chr19-38585054-A-C. GRCh37 (hg19) VCF-style: chr19-39075694-A-C.
Other names: c.14743A>C, p.Thr4915Pro (NM_001042723.2); short protein forms T4915P, T4920P.
Identifiers: ClinVar variation 4879553 (VCV004879553.1).